The following is an entry in ClinVar:

ClinVar aggregate classification (germline): Uncertain significance. Review status: criteria provided, multiple submitters, no conflicts (2 of 4 stars). 2 submissions from 2 submitters: Uncertain significance (2). Last evaluated 2025-04-01.

Conditions:
Inborn genetic diseases. Identifiers: MedGen C0950123, MeSH D030342.

Allele frequency attached by ClinVar (database versions not stated): ExAC 0.00001; gnomAD 0.00004; TOPMed 0.00004; ESP Exome Variant Server 0.00008.
gnomAD v4.1: 85 of 1,610,612 alleles (0.0053%); highest among the groups gnomAD compares: Non-Finnish European, 0.0064%; no homozygotes.

Submissions (2):

CeGaT Center for Human Genetics Tuebingen
Classification: Uncertain significance. Last evaluated: 2025-04-01. Review status: criteria provided, single submitter. Criteria: CeGaT Center For Human Genetics Tuebingen Variant Classification Criteria Version 2. Collection method: clinical testing. Allele origin: germline. Affected: yes. Observed: 1 variant allele.
Comment: SPTBN2: PM2

Ambry Genetics
Classification: Uncertain significance for Inborn genetic diseases. Last evaluated: 2021-03-26. Review status: criteria provided, single submitter. Criteria: Ambry Variant Classification Scheme 2023. Collection method: clinical testing. Allele origin: germline.
Comment: The c.1549C>T (p.R517W) alteration is located in exon 12 (coding exon 11) of the SPTBN2 gene. This alteration results from a C to T substitution at nucleotide position 1549, causing the arginine (R) at amino acid position 517 to be replaced by a tryptophan (W). The p.R517W alteration is predicted to be tolerated by in silico analysis. Based on insufficient or conflicting evidence, the clinical significance of this alteration remains unclear.

NM_006946.4(SPTBN2):c.1549C>T (p.Arg517Trp)

Gene: SPTBN2 (spectrin beta, non-erythrocytic 2; minus strand). Cytogenetic location: 11q13.2.
Variant type: single nucleotide variant.
Coding change: c.1549C>T on transcript NM_006946.4 (MANE Select); coding-DNA position 1549, C replaced by T.
Protein change: p.Arg517Trp; replaces arginine 517 with tryptophan.
Molecular consequence: missense variant.
Genome position (GRCh38, 1-based): chr11:66,707,620, G>A on the plus strand (C>T on the coding strand, the complement: SPTBN2 is on the minus strand). VCF-style: chr11-66707620-G-A. GRCh37 (hg19) VCF-style: chr11-66475091-G-A.
Other names: c.1570C>T, p.Arg524Trp (NM_001411025.1); short protein forms R524W, R517W.
Identifiers: ClinVar variation 2369117 (VCV002369117.15), dbSNP rs371919862, ClinGen allele CA6129336.